The following is an entry in ClinVar:

ClinVar aggregate classification (germline): Conflicting classifications of pathogenicity. Review status: criteria provided, conflicting classifications (1 of 4 stars). 3 submissions from 3 submitters: Uncertain significance (1); Likely benign (2). Last evaluated 2025-12-10.

Conditions:
Hereditary breast ovarian cancer syndrome. Also called: Hereditary breast and ovarian cancer syndrome; Hereditary breast and/or ovarian cancer syndrome; Hereditary breast and ovarian cancer; Hereditary breast and ovarian cancer syndrome (HBOC); BRCA1- and BRCA2-Associated Hereditary Breast and Ovarian Cancer; Breast and ovarian cancer. Identifiers: Orphanet 145, MedGen C0677776, MeSH D061325, MONDO:0003582. Disease mechanism: loss of function.

gnomAD v4.1: 1 of 1,613,968 alleles (0.000062%); highest among the groups gnomAD compares: Non-Finnish European, 0.000085%; no homozygotes.

Submissions (3):

Labcorp Genetics (formerly Invitae), Labcorp
Classification: Likely benign for Hereditary breast ovarian cancer syndrome. Last evaluated: 2025-12-10. Review status: criteria provided, single submitter. Criteria: Invitae Variant Classification Sherloc (09022015). Collection method: clinical testing. Allele origin: germline.

Quest Diagnostics Nichols Institute San Juan Capistrano
Classification: Uncertain significance. Last evaluated: 2025-03-05. Review status: criteria provided, single submitter. Criteria: Quest Diagnostics criteria. Collection method: clinical testing. Allele origin: unknown.
Comment: The BRCA2 c.4707C>T (p.Tyr1569=) synonymous variant has not been reported in individuals with BRCA2-related conditions in the published literature. It also has not been reported in large, multi-ethnic general populations (Genome Aggregation Database). Analysis of this variant using software algorithms for the prediction of the effect of nucleotide changes on splicing yielded predictions that this variant does not affect BRCA2 mRNA splicing. Based on the available information, we are unable to determine the clinical significance of this variant.

Women's Health and Genetics/Laboratory Corporation of America, LabCorp
Classification: Likely benign. Last evaluated: 2025-03-03. Review status: criteria provided, single submitter. Criteria: LabCorp Variant Classification Summary - May 2015. Collection method: clinical testing. Allele origin: germline.
Comment: Variant summary: BRCA2 c.4707C>T alters a non-conserved nucleotide resulting in a synonymous change. Consensus agreement among computation tools predict no significant impact on normal splicing. However, these predictions have yet to be confirmed by functional studies. The variant was absent in 251104 control chromosomes. The available data on variant occurrences in the general population are insufficient to allow any conclusion about variant significance. To our knowledge, no occurrence of c.4707C>T in individuals affected with Hereditary Breast And Ovarian Cancer Syndrome and no experimental evidence demonstrating its impact on protein function have been reported. No submitters have cited clinical-significance assessments for this variant to ClinVar. Based on the evidence outlined above, the variant was classified as likely benign.

NM_000059.4(BRCA2):c.4707C>T (p.Tyr1569=)

Gene: BRCA2 (BRCA2 DNA repair associated; plus strand). Cytogenetic location: 13q13.1.
Variant type: single nucleotide variant.
Coding change: c.4707C>T on transcript NM_000059.4 (MANE Select); coding-DNA position 4707, C replaced by T.
Protein change: p.Tyr1569=; no amino-acid change (tyrosine 1569 retained).
Molecular consequence: synonymous variant. On other transcripts: non-coding transcript variant (1), intron variant (2).
Genome position (GRCh38, 1-based): chr13:32,339,062, C>T. VCF-style: chr13-32339062-C-T. GRCh37 (hg19) VCF-style: chr13-32913199-C-T.
Other names: c.4707C>T, p.Tyr1569= (NM_001406719.1, NM_001406720.1, NM_001432077.1); c.1910-5496C>T (NM_001406721.1); c.425-5496C>T (NM_001406722.1).
Identifiers: ClinVar variation 3895877 (VCV003895877.3).
Genomic context (GRCh38, chr13:32,339,062, plus strand): 5'-AGAGCAAGGTACTAGTGAAATCACCAGTTTTAGCCATCAATGGGCAAAGACCCTAAAGTA[C>T]AGAGAGGCCTGTAAAGACCTTGAATTAGCATGTGAGACCATTGAGATCACAGCTGCCCCA-3'
Protein context (NP_000050.3, residues 1559-1579): FSHQWAKTLK[Tyr1569=]REACKDLELA